The following is an entry in ClinVar:

NM_014391.3(ANKRD1):c.775G>A (p.Ala259Thr)

Gene: ANKRD1 (ankyrin repeat domain 1; minus strand). Cytogenetic location: 10q23.31.
Variant type: single nucleotide variant.
Coding change: c.775G>A on transcript NM_014391.3 (MANE Select); coding-DNA position 775, G replaced by A.
Protein change: p.Ala259Thr; replaces alanine 259 with threonine.
Molecular consequence: missense variant.
Genome position (GRCh38, 1-based): chr10:90,915,617, C>T on the plus strand (G>A on the coding strand, the complement: ANKRD1 is on the minus strand). VCF-style: chr10-90915617-C-T. GRCh37 (hg19) VCF-style: chr10-92675374-C-T.
Other names: short protein forms A259T.
Identifiers: ClinVar variation 2763676 (VCV002763676.3), dbSNP rs2492955227, ClinGen allele CA377549766.

ClinVar aggregate classification (germline): Uncertain significance (1 of 4 stars; one submission).

Conditions:
ANKRD1-related dilated cardiomyopathy. Identifiers: MedGen CN119551.

Submission:

Labcorp Genetics (formerly Invitae), Labcorp
Classification: Uncertain significance for ANKRD1-related dilated cardiomyopathy. Last evaluated: 2023-09-26. Review status: criteria provided, single submitter. Criteria: Invitae Variant Classification Sherloc (09022015). Collection method: clinical testing. Allele origin: germline.
Comment: This sequence change replaces alanine, which is neutral and non-polar, with threonine, which is neutral and polar, at codon 259 of the ANKRD1 protein (p.Ala259Thr). This variant is not present in population databases (gnomAD no frequency). This variant has not been reported in the literature in individuals affected with ANKRD1-related conditions. Advanced modeling of protein sequence and biophysical properties (such as structural, functional, and spatial information, amino acid conservation, physicochemical variation, residue mobility, and thermodynamic stability) has been performed at Invitae for this missense variant, however the output from this modeling did not meet the statistical confidence thresholds required to predict the impact of this variant on ANKRD1 protein function. In summary, the available evidence is currently insufficient to determine the role of this variant in disease. Therefore, it has been classified as a Variant of Uncertain Significance.